The following is an entry in ClinVar:

NM_000238.4(KCNH2):c.3218T>C (p.Leu1073Pro)

Gene: KCNH2 (potassium voltage-gated channel subfamily H member 2; minus strand). Cytogenetic location: 7q36.1.
Variant type: single nucleotide variant.
Coding change: c.3218T>C on transcript NM_000238.4 (MANE Select); coding-DNA position 3218, T replaced by C.
Protein change: p.Leu1073Pro; replaces leucine 1073 with proline.
Molecular consequence: missense variant. On other transcripts: non-coding transcript variant (2).
Genome position (GRCh38, 1-based): chr7:150,946,989, A>G on the plus strand (T>C on the coding strand, the complement: KCNH2 is on the minus strand). VCF-style: chr7-150946989-A-G. GRCh37 (hg19) VCF-style: chr7-150644077-A-G.
Other names: c.2930T>C, p.Leu977Pro (NM_001406753.1); c.2198T>C, p.Leu733Pro (NM_172057.3); short protein forms L1073P, L733P, L977P.
Identifiers: ClinVar variation 4757902 (VCV004757902.1).
Genomic context (GRCh38, chr7:150,946,989, plus strand): 5'-GGGGATGTGGAAGTGGGGCCAGGCCCCGGGGTGGTCACAGCACTGTAGGCGGGCGGGACC[A>G]GCGTCATCTGCCTCTGTAGCAGCTGCAGGACAGTGGCCATGTCTGCACTCAGCCGGGTCT-3'
Protein context (NP_000229.1, residues 1063-1083): VLQLLQRQMT[Leu1073Pro]VPPAYSAVTT

ClinVar aggregate classification (germline): Uncertain significance (1 of 4 stars; one submission).

Conditions:
Cardiac arrhythmia. Also called: Arrhythmia; Cardiac rhythm disease. Identifiers: MedGen C0003811, MONDO:0007263, HP:0011675.

Submission:

Color Diagnostics, LLC DBA Color Health
Classification: Uncertain significance for Cardiac arrhythmia. Last evaluated: 2025-08-30. Review status: criteria provided, single submitter. Criteria: ACMG Guidelines, 2015. Collection method: clinical testing. Allele origin: germline.
Comment: This missense variant replaces leucine with proline at codon 1073 of the KCNH2 protein. Computational prediction suggests that this variant may not impact protein structure and function. To our knowledge, functional studies have not been reported for this variant. This variant has not been reported in individuals affected with KCNH2-related disorders in the literature. This variant has been identified in 1/249608 chromosomes in the general population by the Genome Aggregation Database (gnomAD). The available evidence is insufficient to determine the role of this variant in disease conclusively. Therefore, this variant is classified as a Variant of Uncertain Significance.